The following is an entry in ClinVar:

NM_031935.3(HMCN1):c.7910A>T (p.Gln2637Leu)

Gene: HMCN1 (hemicentin 1; plus strand). Cytogenetic location: 1q31.1.
Variant type: single nucleotide variant.
Coding change: c.7910A>T on transcript NM_031935.3 (MANE Select); coding-DNA position 7910, A replaced by T.
Protein change: p.Gln2637Leu; replaces glutamine 2637 with leucine.
Molecular consequence: missense variant.
Genome position (GRCh38, 1-based): chr1:186,069,693, A>T. VCF-style: chr1-186069693-A-T. GRCh37 (hg19) VCF-style: chr1-186038825-A-T.
Other names: short protein forms Q2637L.
Identifiers: ClinVar variation 1485196 (VCV001485196.6), dbSNP rs760728428, ClinGen allele CA1292980.
Genomic context (GRCh38, chr1:186,069,693, plus strand): 5'-GAGACTCTTTGATGTCCCATGATTTTACAGGAGGCAGAACTCTGCAGATCCTCAATGCAC[A>T]GGAGGACAATGCTGGAAGATACTCTTGTGTAGCCACGAATGAGGCTGGAGAAATGATAAA-3'
Protein context (NP_114141.2, residues 2627-2647): GGRTLQILNA[Gln2637Leu]EDNAGRYSCV

ClinVar aggregate classification (germline): Uncertain significance (1 of 4 stars; one submission).

gnomAD v4.1: 9 of 1,613,060 alleles (0.00056%); highest among the groups gnomAD compares: Non-Finnish European, 0.00076%; no homozygotes.

Submission:

Labcorp Genetics (formerly Invitae), Labcorp
Classification: Uncertain significance. Last evaluated: 2021-11-05. Review status: criteria provided, single submitter. Criteria: Invitae Variant Classification Sherloc (09022015). Collection method: clinical testing. Allele origin: germline.
Comment: This sequence change replaces glutamine, which is neutral and polar, with leucine, which is neutral and non-polar, at codon 2637 of the HMCN1 protein (p.Gln2637Leu). In summary, the available evidence is currently insufficient to determine the role of this variant in disease. Therefore, it has been classified as a Variant of Uncertain Significance. Algorithms developed to predict the effect of missense changes on protein structure and function (SIFT, PolyPhen-2, Align-GVGD) all suggest that this variant is likely to be disruptive. This variant has not been reported in the literature in individuals affected with HMCN1-related conditions. This variant is present in population databases (rs760728428, gnomAD 0.002%).